The following is an entry in ClinVar:

ClinVar aggregate classification (germline): Uncertain significance. Review status: criteria provided, single submitter (1 of 4 stars). 3 submissions from 3 submitters: Uncertain significance (1). 2 of the submissions do not count toward it. Last evaluated 2022-08-10.

Conditions:
Propionic acidemia (PROP). Also called: GLYCINEMIA, KETOTIC; HYPERGLYCINEMIA WITH KETOACIDOSIS AND LEUKOPENIA; KETOTIC HYPERGLYCINEMIA. Identifiers: Orphanet 35, MedGen C0268579, MONDO:0011628, OMIM 606054, HP:0003571.

Submissions (3):

Labcorp Genetics (formerly Invitae), Labcorp
Classification: Uncertain significance for Propionic acidemia. Last evaluated: 2022-08-10. Review status: criteria provided, single submitter. Criteria: Invitae Variant Classification Sherloc (09022015). Collection method: clinical testing. Allele origin: germline.
Comment: This variant, c.11_28dup, results in the insertion of 6 amino acid(s) of the PCCB protein (p.Ala4_Ala9dup), but otherwise preserves the integrity of the reading frame. This variant is present in population databases (rs777359703, gnomAD 0.04%). This variant has not been reported in the literature in individuals affected with PCCB-related conditions. ClinVar contains an entry for this variant (Variation ID: 550487). Experimental studies and prediction algorithms are not available or were not evaluated, and the functional significance of this variant is currently unknown. In summary, the available evidence is currently insufficient to determine the role of this variant in disease. Therefore, it has been classified as a Variant of Uncertain Significance.

Natera, Inc.
Classification: Uncertain significance for Propionic acidemia. Last evaluated: 2019-10-28. Review status: no assertion criteria provided. Collection method: clinical testing. Allele origin: germline. Not counted in ClinVar's aggregate classification.

Counsyl
Classification: Uncertain significance for Propionic acidemia. Last evaluated: 2017-01-25. Review status: no assertion criteria provided. Collection method: clinical testing. Allele origin: unknown. Not counted in ClinVar's aggregate classification.

NM_000532.5(PCCB):c.11_28dup (p.Ala4_Ala9dup)

Gene: PCCB (propionyl-CoA carboxylase subunit beta; plus strand). Cytogenetic location: 3q22.3.
Variant type: Duplication.
Coding change: c.11_28dup on transcript NM_000532.5 (MANE Select); coding-DNA positions 11 to 28, 18 bases duplicated (CATTACGGGTGGCGGCGG).
Protein change: p.Ala4_Ala9dup.
Molecular consequence: inframe insertion, initiator codon variant.
Genome position (GRCh38, 1-based): chr3:136,250,386-136,250,403, CATTACGGGTGGCGGCGG duplicated; duplicating any 18 consecutive bases within chr3:136,250,377-136,250,403 gives the same sequence; the c. name uses the placement nearest the transcript's 3' end. VCF-style (leftmost placement, unchanged base first): chr3-136250376-A-ATGGCGGCGGCATTACGGG. GRCh37 (hg19) VCF-style: chr3-135969218-A-ATGGCGGCGGCATTACGGG.
Other names: c.11_28dup, p.Ala4_Ala9dup (NM_001178014.2); c.11_28dupCATTACGGGTGGCGGCGG (NM_001178014.1).
Identifiers: ClinVar variation 550487 (VCV000550487.9), dbSNP rs777359703, ClinGen allele CA2631539.